The following is an entry in ClinVar:

NM_001164277.2(SLC37A4):c.1129G>A (p.Gly377Ser)

Gene: SLC37A4 (solute carrier family 37 member 4; minus strand). Cytogenetic location: 11q23.3.
Variant type: single nucleotide variant.
Coding change: c.1129G>A on transcript NM_001164277.2 (MANE Select); coding-DNA position 1129, G replaced by A.
Protein change: p.Gly377Ser; replaces glycine 377 with serine.
Molecular consequence: missense variant.
Genome position (GRCh38, 1-based): chr11:119,025,071, C>T on the plus strand (G>A on the coding strand, the complement: SLC37A4 is on the minus strand). VCF-style: chr11-119025071-C-T. GRCh37 (hg19) VCF-style: chr11-118895781-C-T.
Other names: c.1195G>A, p.Gly399Ser (NM_001164278.2); c.910G>A, p.Gly304Ser (NM_001164279.2); c.1129G>A, p.Gly377Ser (NM_001164280.2, NM_001467.6); c.1129G>A (NM_001467.5, NM_001164277.1); short protein forms G399S, G304S, G377S.
Identifiers: ClinVar variation 1434384 (VCV001434384.8), dbSNP rs782255299, ClinGen allele CA6311608.

ClinVar aggregate classification (germline): Uncertain significance. Review status: criteria provided, multiple submitters, no conflicts (2 of 4 stars). 4 submissions from 4 submitters: Uncertain significance (4). Last evaluated 2026-08-04.

Conditions:
SLC37A4-related disorder. Also called: SLC37A4-related condition.
Congenital disorder of glycosylation, type IIw. Identifiers: MedGen C5561986, MONDO:0030437, OMIM 619525.
Phosphate transport defect (GSD1C). Also called: GLYCOGEN STORAGE DISEASE Ic; GSD Ic. Identifiers: Orphanet 364, Orphanet 79259, MedGen C0342749, OMIM 232240.
Glucose-6-phosphate transport defect (GSD1B). Also called: Glycogen Storage Disease Type Ib; GSD Ib. Identifiers: Orphanet 364, Orphanet 79259, MedGen C0268146, MONDO:0009288, OMIM 232220.
Inborn genetic diseases. Identifiers: MedGen C0950123, MeSH D030342.

Allele frequency attached by ClinVar (database versions not stated): ExAC 0.00001; gnomAD 0.00002; gnomAD exomes 0.00002 and 0.00003; TOPMed 0.00004.

Submissions (4):

PreventionGenetics, part of Exact Sciences
Classification: Uncertain significance for SLC37A4-related condition. Last evaluated: 2026-08-04. Review status: criteria provided, single submitter. Criteria: ACMG Guidelines, 2015. Collection method: clinical testing. Allele origin: germline.
Comment: The SLC37A4 c.1129G>A variant is predicted to result in the amino acid substitution p.Gly377Ser. To our knowledge, this variant has not been reported in the literature. This variant is reported in 0.0051% of alleles in individuals of East Asian descent in gnomAD. An alternate missense change at the same amino acid position (p.Gly377Arg) has been reported in an individual affected with a glycogen storage disorder (Vela-Amieva et al. 2024. PubMed ID: 39519275). At this time, the clinical significance of this variant is uncertain due to the absence of conclusive functional and genetic evidence.

Labcorp Genetics (formerly Invitae), Labcorp
Classification: Uncertain significance for Glucose-6-phosphate transport defect. Last evaluated: 2026-01-11. Review status: criteria provided, single submitter. Criteria: Invitae Variant Classification Sherloc (09022015). Collection method: clinical testing. Allele origin: germline.
Comment: This sequence change replaces glycine, which is neutral and non-polar, with serine, which is neutral and polar, at codon 377 of the SLC37A4 protein (p.Gly377Ser). This variant is present in population databases (rs782255299, gnomAD 0.005%). This variant has not been reported in the literature in individuals affected with SLC37A4-related conditions. ClinVar contains an entry for this variant (Variation ID: 1434384). Invitae Evidence Modeling of protein sequence and biophysical properties (such as structural, functional, and spatial information, amino acid conservation, physicochemical variation, residue mobility, and thermodynamic stability) indicates that this missense variant is not expected to disrupt SLC37A4 protein function with a negative predictive value of 80%. In summary, the available evidence is currently insufficient to determine the role of this variant in disease. Therefore, it has been classified as a Variant of Uncertain Significance.

Ambry Genetics
Classification: Uncertain significance for Inborn genetic diseases. Last evaluated: 2023-11-28. Review status: criteria provided, single submitter. Criteria: Ambry Variant Classification Scheme 2023. Collection method: clinical testing. Allele origin: germline.
Comment: The p.G377S variant (also known as c.1129G>A), located in coding exon 8 of the SLC37A4 gene, results from a G to A substitution at nucleotide position 1129. The glycine at codon 377 is replaced by serine, an amino acid with similar properties. This amino acid position is conserved. In addition, this alteration is predicted to be deleterious by in silico analysis. Since supporting evidence is limited at this time, the clinical significance of this alteration remains unclear.

Fulgent Genetics
Classification: Uncertain significance for Glucose-6-phosphate transport defect; Phosphate transport defect; Congenital disorder of glycosylation, type IIw. Last evaluated: 2021-12-27. Review status: criteria provided, single submitter. Criteria: ACMG Guidelines, 2015. Collection method: clinical testing. Allele origin: unknown.